The following is an entry in ClinVar:

NM_005431.2(XRCC2):c.112C>G (p.Pro38Ala)

Gene: XRCC2 (X-ray repair cross complementing 2; minus strand). Cytogenetic location: 7q36.1.
Variant type: single nucleotide variant.
Coding change: c.112C>G on transcript NM_005431.2 (MANE Select); coding-DNA position 112, C replaced by G.
Protein change: p.Pro38Ala; replaces proline 38 with alanine.
Molecular consequence: missense variant.
Genome position (GRCh38, 1-based): chr7:152,660,710, G>C on the plus strand (C>G on the coding strand, the complement: XRCC2 is on the minus strand). VCF-style: chr7-152660710-G-C. GRCh37 (hg19) VCF-style: chr7-152357795-G-C.
Other names: short protein forms P38A.
Identifiers: ClinVar variation 1727872 (VCV001727872.3), dbSNP rs2485896765, ClinGen allele CA370199410.
Genomic context (GRCh38, chr7:152,660,710, plus strand): 5'-AATCCTTTTATAAAGATTTGCATTTATTTATATAAAGGTTGTATTTTTTACCATGCACAG[G>C]TGAATCTTCATCAGCAAACAGATTTGGTTCTATTTCTTTCAAGGAACTTCTACCTTCAAG-3'
Protein context (NP_005422.1, residues 28-48): EPNLFADEDS[Pro38Ala]VHGDILEFHG

ClinVar aggregate classification (germline): Uncertain significance (1 of 4 stars; one submission).

Conditions:
Hereditary cancer-predisposing syndrome. Also called: Tumor predisposition; Neoplastic Syndromes, Hereditary; Hereditary Cancer Syndrome; Hereditary neoplastic syndrome. Identifiers: Orphanet 140162, MedGen C0027672, MeSH D009386, MONDO:0015356.

gnomAD v4.1: 3 of 1,612,700 alleles (0.00019%); highest among the groups gnomAD compares: South Asian, 0.0022%; no homozygotes.

Submission:

Ambry Genetics
Classification: Uncertain significance for Hereditary cancer-predisposing syndrome. Last evaluated: 2025-05-11. Review status: criteria provided, single submitter. Criteria: Ambry Variant Classification Scheme 2023. Collection method: clinical testing. Allele origin: germline.
Comment: The p.P38A variant (also known as c.112C>G), located in coding exon 2 of the XRCC2 gene, results from a C to G substitution at nucleotide position 112. The proline at codon 38 is replaced by alanine, an amino acid with highly similar properties. This amino acid position is conserved. In addition, this alteration is predicted to be tolerated by in silico analysis. Since supporting evidence is limited at this time, the clinical significance of this alteration remains unclear.